The following is an entry in ClinVar:

ClinVar aggregate classification (germline): Uncertain significance (1 of 4 stars; one submission).

Conditions:
Short stature and advanced bone age, with or without early-onset osteoarthritis and/or osteochondritis dissecans (SSOAOD). Identifiers: Orphanet 251262, MedGen C3665488, MONDO:0100462, OMIM 165800.

Submission:

Juno Genomics, Hangzhou Juno Genomics, Inc
Classification: Uncertain significance for Short stature and advanced bone age, with or without early-onset osteoarthritis and/or osteochondritis dissecans. Review status: criteria provided, single submitter. Criteria: ACMG Guidelines, 2015. Collection method: clinical testing. Allele origin: germline. Affected: yes.
Comment: Absent from controls (or at extremely low frequency if recessive) in Genome Aggregation Database, Exome Sequencing Project, 1000 Genomes Project, or Exome Aggregation Consortium.;Protein length changes due to in-frame deletions/insertions in a non-repeat region or stop-loss variants.

NM_001369268.1(ACAN):c.7386_7397del (p.Lys2462_Trp2465del)

Gene: ACAN (aggrecan; plus strand). Cytogenetic location: 15q26.1.
Variant type: Deletion.
Coding change: c.7386_7397del on transcript NM_001369268.1 (MANE Select); coding-DNA positions 7386 to 7397, 12 bases deleted (GGGCGAGTGGAA).
Protein change: p.Lys2462_Trp2465del.
Genome position (GRCh38, 1-based): chr15:88,872,964-88,872,975, GGGCGAGTGGAA deleted; deleting any 12 consecutive bases within chr15:88,872,961-88,872,975 gives the same sequence; the c. name uses the placement nearest the transcript's 3' end. VCF-style (leftmost placement, unchanged base first): chr15-88872960-AGAAGGGCGAGTG-A. GRCh37 (hg19) VCF-style: chr15-89416191-AGAAGGGCGAGTG-A.
Other names: c.7158_7169del, p.Lys2386_Trp2389del (NM_001135.4, NM_001411096.1); c.7272_7283del, p.Lys2424_Trp2427del (NM_001411097.1, NM_013227.4).
Identifiers: ClinVar variation 4533237 (VCV004533237.1).
Genomic context (GRCh38, chr15:88,872,960, plus strand): 5'-CCAACCAGCCTGACAACTTTTTTGCCGCTGGAGAGGACTGTGTGGTGATGATCTGGCACG[AGAAGGGCGAGTG>A]GAATGATGTTCCCTGCAATTACCACCTCCCCTTCACGTGTAAAAAGGGCACAGGTAAGCT-3'